The following is an entry in ClinVar:

ClinVar aggregate classification (germline): Likely benign. Review status: criteria provided, multiple submitters, no conflicts (2 of 4 stars). 5 submissions from 5 submitters: Likely benign (5). Last evaluated 2025-12-10.

Conditions:
Cardiovascular phenotype. Identifiers: MedGen CN230736.
Alstrom syndrome (ALMS). Identifiers: Orphanet 64, MedGen C0268425, MONDO:0008763, OMIM 203800.

Allele frequency attached by ClinVar (database versions not stated): gnomAD 0.00001.
gnomAD v4.1: 10 of 1,606,168 alleles (0.00062%); highest among the groups gnomAD compares: Middle Eastern, 0.017%; no homozygotes.

Submissions (5):

Labcorp Genetics (formerly Invitae), Labcorp
Classification: Likely benign for Alstrom syndrome. Last evaluated: 2025-12-10. Review status: criteria provided, single submitter. Criteria: Invitae Variant Classification Sherloc (09022015). Collection method: clinical testing. Allele origin: germline.

Ambry Genetics
Classification: Likely benign for Cardiovascular phenotype. Last evaluated: 2025-07-03. Review status: criteria provided, single submitter. Criteria: Ambry Variant Classification Scheme 2023. Collection method: clinical testing. Allele origin: germline.

CeGaT Center for Human Genetics Tuebingen
Classification: Likely benign. Last evaluated: 2022-10-01. Review status: criteria provided, single submitter. Criteria: CeGaT Center For Human Genetics Tuebingen Variant Classification Criteria Version 2. Collection method: clinical testing. Allele origin: germline. Affected: yes. Observed: 1 variant allele.
Comment: ALMS1: BP4, BP7

Fulgent Genetics
Classification: Likely benign for Alstrom syndrome. Last evaluated: 2021-11-24. Review status: criteria provided, single submitter. Criteria: ACMG Guidelines, 2015. Collection method: clinical testing. Allele origin: unknown.

Blueprint Genetics
Classification: Likely benign. Last evaluated: 2021-11-11. Review status: criteria provided, single submitter. Criteria: ACMG Guidelines, 2015. Collection method: clinical testing. Allele origin: germline.

NM_001378454.1(ALMS1):c.10440A>G (p.Ala3480=)

Gene: ALMS1 (ALMS1 centrosome and basal body associated protein; plus strand). Cytogenetic location: 2p13.1.
Variant type: single nucleotide variant.
Coding change: c.10440A>G on transcript NM_001378454.1 (MANE Select); coding-DNA position 10440, A replaced by G.
Protein change: p.Ala3480=; no amino-acid change (alanine 3480 retained).
Molecular consequence: synonymous variant.
Genome position (GRCh38, 1-based): chr2:73,572,317, A>G. VCF-style: chr2-73572317-A-G. GRCh37 (hg19) VCF-style: chr2-73799444-A-G.
Other names: c.10443A>G, p.Ala3481= (NM_015120.4).
Identifiers: ClinVar variation 1100291 (VCV001100291.35), dbSNP rs375046790, ClinGen allele CA50386146.